The following is an entry in ClinVar:

NM_014384.3(ACAD8):c.293C>T (p.Ser98Phe)

Gene: ACAD8 (acyl-CoA dehydrogenase family member 8; plus strand). Cytogenetic location: 11q25.
Variant type: single nucleotide variant.
Coding change: c.293C>T on transcript NM_014384.3 (MANE Select); coding-DNA position 293, C replaced by T.
Protein change: p.Ser98Phe; replaces serine 98 with phenylalanine.
Molecular consequence: missense variant.
Genome position (GRCh38, 1-based): chr11:134,257,170, C>T. VCF-style: chr11-134257170-C-T. GRCh37 (hg19) VCF-style: chr11-134127064-C-T.
Other names: short protein forms S98F.
Identifiers: ClinVar variation 468862 (VCV000468862.9), dbSNP rs948304437, ClinGen allele CA231272353.
Genomic context (GRCh38, chr11:134,257,170, plus strand): 5'-TGCGGAAGGCAGCCCAGCTAGGCTTCGGAGGGGTCTACATACAAACAGATGTGGGCGGGT[C>T]TGGGCTGTCACGTCTTGATACCTCTGTCATTTTTGAAGCCTTGGCTACAGGCTGCACCAG-3'
Protein context (NP_055199.1, residues 88-108): GVYIQTDVGG[Ser98Phe]GLSRLDTSVI

ClinVar aggregate classification (germline): Uncertain significance (1 of 4 stars; one submission).

Conditions:
Deficiency of isobutyryl-CoA dehydrogenase. Also called: ACYL-CoA DEHYDROGENASE FAMILY, MEMBER 8, DEFICIENCY OF; IBD DEFICIENCY; ACAD8 DEFICIENCY. Identifiers: Orphanet 79159, MedGen C1969809, MONDO:0012648, OMIM 611283.

Allele frequency attached by ClinVar (database versions not stated): TOPMed below 0.00001.

Submission:

Labcorp Genetics (formerly Invitae), Labcorp
Classification: Uncertain significance for Deficiency of isobutyryl-CoA dehydrogenase. Last evaluated: 2018-01-15. Review status: criteria provided, single submitter. Criteria: Invitae Variant Classification Sherloc (09022015). Collection method: clinical testing. Allele origin: germline.
Comment: This variant has not been reported in the literature in individuals with ACAD8-related disease. Algorithms developed to predict the effect of missense changes on protein structure and function do not agree on the potential impact of this missense change (SIFT: "Deleterious"; PolyPhen-2: "Probably Damaging"; Align-GVGD: "Class C15"). In summary, the available evidence is currently insufficient to determine the role of this variant in disease. Therefore, it has been classified as a Variant of Uncertain Significance. This variant is not present in population databases (ExAC no frequency). This sequence change replaces serine with phenylalanine at codon 98 of the ACAD8 protein (p.Ser98Phe). The serine residue is highly conserved and there is a large physicochemical difference between serine and phenylalanine.